The following is an entry in ClinVar:

NM_001384732.1(CPLANE1):c.7466del (p.Asn2489fs)

Gene: CPLANE1 (ciliogenesis and planar polarity effector complex subunit 1; minus strand). Cytogenetic location: 5p13.2.
Variant type: Deletion.
Coding change: c.7466del on transcript NM_001384732.1 (MANE Select); coding-DNA position 7466, one base deleted (A; older notation c.7466delA).
Protein change: p.Asn2489fs; shifts the reading frame from asparagine 2489.
Molecular consequence: frameshift variant.
Genome position (GRCh38, 1-based): chr5:37,165,606, T deleted on the plus strand (A on the coding strand, the reverse complement: CPLANE1 is on the minus strand); the first of 3 consecutive T bases (chr5:37,165,606-37,165,608); deleting any one gives the same sequence. VCF-style (leftmost placement, unchanged base first): chr5-37165605-AT-A. GRCh37 (hg19) VCF-style: chr5-37165707-AT-A.
Other names: c.7466del, p.Asn2489fs (NM_023073.4); short protein forms N2489fs.
Identifiers: ClinVar variation 1453338 (VCV001453338.6), dbSNP rs2150869096, ClinGen allele CA2573139639.

ClinVar aggregate classification (germline): Pathogenic (1 of 4 stars; one submission).

Submission:

Labcorp Genetics (formerly Invitae), Labcorp
Classification: Pathogenic. Last evaluated: 2023-06-30. Review status: criteria provided, single submitter. Criteria: Invitae Variant Classification Sherloc (09022015). Collection method: clinical testing. Allele origin: germline.
Comment: This sequence change creates a premature translational stop signal (p.Asn2489Metfs*2) in the CPLANE1 gene. It is expected to result in an absent or disrupted protein product. Loss-of-function variants in CPLANE1 are known to be pathogenic (PMID: 24178751, 26092869). This variant is not present in population databases (gnomAD no frequency). For these reasons, this variant has been classified as Pathogenic. ClinVar contains an entry for this variant (Variation ID: 1453338). This variant has not been reported in the literature in individuals affected with CPLANE1-related conditions.

Literature cited by the submitters: PubMed 24178751; PubMed 26092869.